The following is an entry in ClinVar:

ClinVar aggregate classification (germline): Pathogenic (1 of 4 stars; one submission).

Conditions:
Cataract 6 multiple types. Also called: CATARACT, AGE-RELATED CORTICAL, 2; CATARACT 6, POSTERIOR POLAR; CATARACT 6, CONGENITAL TOTAL. Identifiers: Orphanet 91492, MedGen C1861825, MONDO:0007288, OMIM 116600.

Submission:

Labcorp Genetics (formerly Invitae), Labcorp
Classification: Pathogenic for Cataract 6 multiple types. Last evaluated: 2018-12-25. Review status: criteria provided, single submitter. Criteria: Invitae Variant Classification Sherloc (09022015). Collection method: clinical testing. Allele origin: germline.
Comment: For these reasons, this variant has been classified as Pathogenic. Loss-of-function variants in EPHA2 are known to be pathogenic (PMID: 25148791, 19649315, 22167091). This variant has not been reported in the literature in individuals with EPHA2-related conditions. This variant is not present in population databases (ExAC no frequency). This sequence change creates a premature translational stop signal (p.Trp253*) in the EPHA2 gene. It is expected to result in an absent or disrupted protein product.

Literature cited by the submitters: PubMed 25148791; PubMed 19649315; PubMed 22167091.

NM_004431.5(EPHA2):c.759G>A (p.Trp253Ter)

Gene: EPHA2 (EPH receptor A2; minus strand). Cytogenetic location: 1p36.13.
Variant type: single nucleotide variant.
Coding change: c.759G>A on transcript NM_004431.5 (MANE Select); coding-DNA position 759, G replaced by A.
Protein change: p.Trp253Ter; replaces tryptophan 253 with a stop codon.
Molecular consequence: nonsense.
Genome position (GRCh38, 1-based): chr1:16,148,442, C>T on the plus strand (G>A on the coding strand, the complement: EPHA2 is on the minus strand). VCF-style: chr1-16148442-C-T. GRCh37 (hg19) VCF-style: chr1-16474937-C-T.
Other names: c.597G>A, p.Trp199Ter (NM_001329090.2); short protein forms W253*, W199*.
Identifiers: ClinVar variation 665755 (VCV000665755.6), dbSNP rs1569602837, ClinGen allele CA338640006.